The following is an entry in ClinVar:

NM_005862.3(STAG1):c.435A>G (p.Ala145=)

Gene: STAG1 (STAG1 cohesin complex component; minus strand). Cytogenetic location: 3q22.3.
Variant type: single nucleotide variant.
Coding change: c.435A>G on transcript NM_005862.3 (MANE Select); coding-DNA position 435, A replaced by G.
Protein change: p.Ala145=; no amino-acid change (alanine 145 retained).
Molecular consequence: synonymous variant.
Genome position (GRCh38, 1-based): chr3:136,542,155, T>C on the plus strand (A>G on the coding strand, the complement: STAG1 is on the minus strand). VCF-style: chr3-136542155-T-C. GRCh37 (hg19) VCF-style: chr3-136260997-T-C.
Identifiers: ClinVar variation 2654184 (VCV002654184.24), dbSNP rs2472505294, ClinGen allele CA435844927.

ClinVar aggregate classification (germline): Likely benign (1 of 4 stars; one submission).

Submission:

CeGaT Center for Human Genetics Tuebingen
Classification: Likely benign. Last evaluated: 2023-10-01. Review status: criteria provided, single submitter. Criteria: CeGaT Center For Human Genetics Tuebingen Variant Classification Criteria Version 2. Collection method: clinical testing. Allele origin: germline. Affected: yes. Observed: 1 variant allele.
Comment: STAG1: PM2:Supporting, BP4, BP7